The following is an entry in ClinVar:

NM_000204.5(CFI):c.898A>G (p.Thr300Ala)

Gene: CFI (complement factor I; minus strand). Cytogenetic location: 4q25.
Variant type: single nucleotide variant.
Coding change: c.898A>G on transcript NM_000204.5 (MANE Select); coding-DNA position 898, A replaced by G.
Protein change: p.Thr300Ala; replaces threonine 300 with alanine.
Molecular consequence: missense variant. On other transcripts: non-coding transcript variant (3), intron variant (4).
Genome position (GRCh38, 1-based): chr4:109,757,769, T>C on the plus strand (A>G on the coding strand, the complement: CFI is on the minus strand). VCF-style: chr4-109757769-T-C. GRCh37 (hg19) VCF-style: chr4-110678925-T-C.
Other names: c.922A>G, p.Thr308Ala (NM_001318057.2, NM_001375278.1); c.898A>G, p.Thr300Ala (NM_001375279.1, NM_001375281.1); c.289A>G, p.Thr97Ala (NM_001375284.1); c.883+2501A>G (NM_001375282.1, NM_001375280.1, NM_001375283.1 and 1 more transcripts); short protein forms T300A, T308A, T97A.
Identifiers: ClinVar variation 1164931 (VCV001164931.11), dbSNP rs11098044, ClinGen allele CA3042106.
Genomic context (GRCh38, chr4:109,757,769, plus strand): 5'-ACCTGAGTTTTGTTTCAATTTTTTAATATCCCCAAATTTTAATAAAAATTTTACCTTGAG[T>C]CACAGATGCAAAGCCTGAAGAAAACAAAAACAAAAAATTTATCAAAGGATAATTTTTGGA-3'
Protein context (NP_000195.3, residues 290-310): EVGCAGFASV[Thr300Ala]QEETEILTAD

ClinVar aggregate classification (germline): Benign/Likely benign. Review status: criteria provided, multiple submitters, no conflicts (2 of 4 stars). 5 submissions from 5 submitters: Benign (4); Likely benign (1). Last evaluated 2026-02-04.

Conditions:
CFI-related disorder. Also called: CFI-related condition; CFI-related disorders. Identifiers: MedGen CN239325.

Allele frequency attached by ClinVar (database versions not stated): TOPMed 0.96483; ESP Exome Variant Server 0.96498; 1000 Genomes Project 30x 0.96596; 1000 Genomes Project 0.96685; gnomAD 0.96739 and 0.96959; ExAC 0.99057; gnomAD exomes 0.99232.
gnomAD v4.1: 1,448,946 of 1,457,806 alleles (99%); highest among the groups gnomAD compares: East Asian, 100%; 720,502 homozygotes.

Submissions (5):

Labcorp Genetics (formerly Invitae), Labcorp
Classification: Benign. Last evaluated: 2026-02-04. Review status: criteria provided, single submitter. Criteria: Invitae Variant Classification Sherloc (09022015). Collection method: clinical testing. Allele origin: germline.

Women's Health and Genetics/Laboratory Corporation of America, LabCorp
Classification: Benign. Last evaluated: 2026-01-21. Review status: criteria provided, single submitter. Criteria: LabCorp Variant Classification Summary - May 2015. Collection method: clinical testing. Allele origin: germline.

Genomenon, Inc
Classification: Benign for CFI-related disorder. Last evaluated: 2025-09-26. Review status: criteria provided, single submitter. Criteria: Genomenon Sequence Variant Interpretation Standards - Updated. Collection method: curation. Allele origin: germline. Affected: no.
Comment: CFI p.Thr300Ala (c.898A>G) is a missense variant that changes the amino acid at residue 300 from Threonine to Alanine. This variant is present at high allele frequency in population databases. In conclusion, we classify CFI p.Thr300Ala (c.898A>G) as a benign variant.

Blueprint Genetics
Classification: Likely benign. Last evaluated: 2024-11-26. Review status: criteria provided, single submitter. Criteria: ACMG Guidelines, 2015. Collection method: clinical testing. Allele origin: germline.

Breakthrough Genomics
Classification: Benign. Review status: criteria provided, single submitter. Criteria: ACMG Guidelines, 2015. Collection method: not provided. Allele origin: germline. Inheritance: Autosomal recessive inheritance. Affected: yes.